The following is an entry in ClinVar:

NM_001348800.3(ZBTB20):c.636G>A (p.Pro212=)

Gene: ZBTB20 (zinc finger and BTB domain containing 20; minus strand). Cytogenetic location: 3q13.31.
Variant type: single nucleotide variant.
Coding change: c.636G>A on transcript NM_001348800.3 (MANE Select); coding-DNA position 636, G replaced by A.
Protein change: p.Pro212=; no amino-acid change (proline 212 retained).
Molecular consequence: synonymous variant.
Genome position (GRCh38, 1-based): chr3:114,351,442, C>T on the plus strand (G>A on the coding strand, the complement: ZBTB20 is on the minus strand). VCF-style: chr3-114351442-C-T. GRCh37 (hg19) VCF-style: chr3-114070289-C-T.
Other names: c.636G>A, p.Pro212= (NM_001164342.2, NM_001348803.3, NM_001393393.1 and 1 more transcripts); c.417G>A, p.Pro139= (NM_001164343.2, NM_001164344.4, NM_001164345.4 and 9 more transcripts).
Identifiers: ClinVar variation 1990890 (VCV001990890.6), dbSNP rs143932166, ClinGen allele CA2551408.
Genomic context (GRCh38, chr3:114,351,442, plus strand): 5'-CAGGTAGCCCGACTCCGTGTCGCTGCTCTGGCCTGACGTGCCTGACTCGGGAGTGCCCCG[C>T]GGCGTGTCCTGGCCCGAGTCCTGGATCCCCGGGAACACATCGCCCACGTTCTGTGACACG-3'
Protein context (NP_001335729.1, residues 202-222): PGIQDSGQDT[Pro212=]RGTPESGTSG

ClinVar aggregate classification (germline): Likely benign. Review status: criteria provided, multiple submitters, no conflicts (2 of 4 stars). 3 submissions from 3 submitters: Likely benign (3). Last evaluated 2026-08-01.

gnomAD v4.1: 65 of 1,613,276 alleles (0.004%); highest among the groups gnomAD compares: Middle Eastern, 0.016%; no homozygotes.

Submissions (3):

CeGaT Center for Human Genetics Tuebingen
Classification: Likely benign. Last evaluated: 2026-08-01. Review status: criteria provided, single submitter. Criteria: CeGaT Center For Human Genetics Tuebingen Variant Classification Criteria Version 2. Collection method: clinical testing. Allele origin: germline. Affected: yes. Observed: 1 variant allele.
Comment: ZBTB20: BP4, BP7

Labcorp Genetics (formerly Invitae), Labcorp
Classification: Likely benign. Last evaluated: 2026-02-03. Review status: criteria provided, single submitter. Criteria: Invitae Variant Classification Sherloc (09022015). Collection method: clinical testing. Allele origin: germline.

Blueprint Genetics
Classification: Likely benign. Last evaluated: 2024-08-12. Review status: criteria provided, single submitter. Criteria: ACMG Guidelines, 2015. Collection method: clinical testing. Allele origin: germline.